The following is an entry in ClinVar:

NM_002900.3(RBP3):c.179A>G (p.Glu60Gly)

Gene: RBP3 (retinol binding protein 3; plus strand). Cytogenetic location: 10q11.22.
Variant type: single nucleotide variant.
Coding change: c.179A>G on transcript NM_002900.3 (MANE Select); coding-DNA position 179, A replaced by G.
Protein change: p.Glu60Gly; replaces glutamic acid 60 with glycine.
Molecular consequence: missense variant.
Genome position (GRCh38, 1-based): chr10:47,348,663, A>G. VCF-style: chr10-47348663-A-G. GRCh37 (hg19) VCF-style: chr10-48390699-T-C.
Other names: short protein forms E60G.
Identifiers: ClinVar variation 1357997 (VCV001357997.7), dbSNP rs782762779, ClinGen allele CA5487848.

ClinVar aggregate classification (germline): Uncertain significance (1 of 4 stars; one submission).

Allele frequency attached by ClinVar (database versions not stated): gnomAD exomes 0.00001 and 0.00002; TOPMed 0.00001; ExAC 0.00002.

Submission:

Labcorp Genetics (formerly Invitae), Labcorp
Classification: Uncertain significance. Last evaluated: 2022-06-17. Review status: criteria provided, single submitter. Criteria: Invitae Variant Classification Sherloc (09022015). Collection method: clinical testing. Allele origin: germline.
Comment: In summary, the available evidence is currently insufficient to determine the role of this variant in disease. Therefore, it has been classified as a Variant of Uncertain Significance. Algorithms developed to predict the effect of missense changes on protein structure and function (SIFT, PolyPhen-2, Align-GVGD) all suggest that this variant is likely to be disruptive. This variant has not been reported in the literature in individuals affected with RBP3-related conditions. This variant is present in population databases (rs782762779, gnomAD 0.01%). This sequence change replaces glutamic acid, which is acidic and polar, with glycine, which is neutral and non-polar, at codon 60 of the RBP3 protein (p.Glu60Gly).